The following is an entry in ClinVar:

NM_004369.4(COL6A3):c.3508G>A (p.Ala1170Thr)

Gene: COL6A3 (collagen type VI alpha 3 chain; minus strand). Cytogenetic location: 2q37.3.
Variant type: single nucleotide variant.
Coding change: c.3508G>A on transcript NM_004369.4 (MANE Select); coding-DNA position 3508, G replaced by A.
Protein change: p.Ala1170Thr; replaces alanine 1170 with threonine.
Molecular consequence: missense variant.
Genome position (GRCh38, 1-based): chr2:237,374,583, C>T on the plus strand (G>A on the coding strand, the complement: COL6A3 is on the minus strand). VCF-style: chr2-237374583-C-T. GRCh37 (hg19) VCF-style: chr2-238283226-C-T.
Other names: c.2287G>A, p.Ala763Thr (NM_057164.5); c.2890G>A, p.Ala964Thr (NM_057165.5, NM_057167.4); c.1687G>A, p.Ala563Thr (NM_057166.5); c.3508G>A (NM_004369.3); short protein forms A964T, A563T, A1170T, A763T.
Identifiers: ClinVar variation 1352726 (VCV001352726.9), dbSNP rs754847515, ClinGen allele CA2189152.

ClinVar aggregate classification (germline): Conflicting classifications of pathogenicity. Review status: criteria provided, conflicting classifications (1 of 4 stars). 4 submissions from 4 submitters: Uncertain significance (2); Benign (1); Likely benign (1). Last evaluated 2025-05-27.

Conditions:
Bethlem myopathy 1A. Also called: MYOPATHY, BENIGN CONGENITAL, WITH CONTRACTURES; Bethlem Muscular Dystrophy; Bethlem myopathy 1. Identifiers: Orphanet 610, MedGen CN029274, MONDO:0024530, OMIM 158810.
Inborn genetic diseases. Identifiers: MedGen C0950123, MeSH D030342.
Collagen 6-related myopathy. Identifiers: MedGen CN117976, MONDO:0100225.

Allele frequency attached by ClinVar (database versions not stated): gnomAD exomes 0.00002; ExAC 0.00003; gnomAD 0.00005 and 0.00006; TOPMed 0.00005.
gnomAD v4.1: 22 of 1,614,058 alleles (0.0014%); highest among the groups gnomAD compares: African/African-American, 0.019%; no homozygotes.

Submissions (4):

Ambry Genetics
Classification: Uncertain significance for Inborn genetic diseases. Last evaluated: 2025-05-27. Review status: criteria provided, single submitter. Criteria: Ambry Variant Classification Scheme 2023. Collection method: clinical testing. Allele origin: germline.

Labcorp Genetics (formerly Invitae), Labcorp
Classification: Benign for Bethlem myopathy 1A. Last evaluated: 2025-03-24. Review status: criteria provided, single submitter. Criteria: Invitae Variant Classification Sherloc (09022015). Collection method: clinical testing. Allele origin: germline.

GeneDx
Classification: Uncertain significance. Last evaluated: 2024-03-15. Review status: criteria provided, single submitter. Criteria: GeneDx Variant Classification Process June 2021. Collection method: clinical testing. Allele origin: germline. Affected: yes.
Comment: In silico analysis supports that this missense variant has a deleterious effect on protein structure/function; Has not been previously published as pathogenic or benign to our knowledge

Victorian Clinical Genetics Services, Murdoch Childrens Research Institute
Classification: Likely benign for Collagen 6-related myopathy. Last evaluated: 2022-06-24. Review status: criteria provided, single submitter. Criteria: ACMG Guidelines, 2015. Collection method: clinical testing. Allele origin: germline.
Comment: Based on the classification scheme VCGS_Germline_v1.3.4, this variant is classified as Likely benign. Following criteria are met: 0103 - Dominant negative and loss of function are known mechanisms of disease in this gene. Dominant negative is associated with autosomal dominant disease due to missense variants affecting a glycine residue within a Gly-X-Y triple helical repeat while loss of function is associated with recessive disease due to other missense and protein-truncating variants (OMIM, GeneReviews). (I) 0108 - This gene is associated with both recessive and dominant disease. This gene is associated with autosomal recessive dystonia 27 (MIM#616411) and autosomal recessive and dominant Bethlem myopathy 1 (MIM#158810) and Ullrich congenital muscular dystrophy 1 (MIM#254090). (I) 0200 - Variant is predicted to result in a missense amino acid change from alanine to threonine. (I) 0251 - This variant is heterozygous. (I) 0304 - Variant is present in gnomAD (v2 and v3) <0.01 (12 heterozygotes, 0 homozygotes). (SP) 0502 - Missense variant with conflicting in silico predictions and uninformative conservation. (I) 0600 - Variant is located in the annotated von Willebrand factor type A domain (DECIPHER). (I) 0705 - No comparable missense variants have previous evidence for pathogenicity. (I) 0807 - This variant has no previous evidence of pathogenicity. (I) 0905 - No published segregation evidence has been identified for this variant. (I) 1007 - No published functional evidence has been identified for this variant. (I) Legend: (SP) - Supporting pathogenic, (I) - Information, (SB) - Supporting benign